The following is an entry in ClinVar:

ClinVar aggregate classification (germline): Benign. Review status: criteria provided, multiple submitters, no conflicts (2 of 4 stars). 5 submissions from 5 submitters: Benign (5). Last evaluated 2026-02-02.

Conditions:
Donnai-Barrow syndrome. Also called: DBS/FOAR SYNDROME; FACIOOCULOACOUSTICORENAL SYNDROME. Identifiers: Orphanet 2143, MedGen C1857277, MONDO:0009104, OMIM 222448.

Allele frequency attached by ClinVar (database versions not stated): gnomAD exomes 0.00268 and 0.00740; ExAC 0.00857; gnomAD 0.02487 and 0.02650; TOPMed 0.02903; ESP Exome Variant Server 0.02937; 1000 Genomes Project 0.02995; 1000 Genomes Project 30x 0.03295.
gnomAD v4.1: 7,897 of 1,613,952 alleles (0.49%); highest among the groups gnomAD compares: African/African-American, 8.3%; 268 homozygotes.

Submissions (7):

Labcorp Genetics (formerly Invitae), Labcorp
Classification: Benign. Last evaluated: 2026-02-02. Review status: criteria provided, single submitter. Criteria: Invitae Variant Classification Sherloc (09022015). Collection method: clinical testing. Allele origin: germline.

Genome-Nilou Lab
Classification: Benign for Donnai-Barrow syndrome. Last evaluated: 2021-07-15. Review status: criteria provided, single submitter. Criteria: ACMG Guidelines, 2015. Collection method: clinical testing. Allele origin: germline. Affected: no.

GeneDx
Classification: Benign. Last evaluated: 2021-05-06. Review status: criteria provided, single submitter. Criteria: GeneDx Variant Classification Process June 2021. Collection method: clinical testing. Allele origin: germline. Affected: yes.

Illumina Laboratory Services, Illumina
Classification: Benign for Donnai-Barrow syndrome. Last evaluated: 2018-01-13. Review status: criteria provided, single submitter. Criteria: ICSL Variant Classification Criteria 13 December 2019. Collection method: clinical testing. Allele origin: germline.
Comment: This variant was observed in the ICSL laboratory as part of a predisposition screen in an ostensibly healthy population. It had not been previously curated by ICSL or reported in the Human Gene Mutation Database (HGMD: prior to June 1st, 2018), and was therefore a candidate for classification through an automated scoring system. Utilizing variant allele frequency, disease prevalence and penetrance estimates, and inheritance mode, an automated score was calculated to assess if this variant is too frequent to cause the disease. Based on the score and internal cut-off values, a variant classified as benign is not then subjected to further curation. The score for this variant resulted in a classification of benign for this disease.

Breakthrough Genomics
Classification: Benign. Review status: criteria provided, single submitter. Criteria: ACMG Guidelines, 2015. Collection method: not provided. Allele origin: germline. Inheritance: Autosomal recessive inheritance. Affected: yes.

Dr. Peter K. Rogan Lab, Western University
No classification provided (evidence only). Condition: Lung cancer. Review status: no classification provided. Collection method: in vitro. Allele origin: not applicable. Functional consequence: retained intron. Not counted in ClinVar's aggregate classification.

Dr. Peter K. Rogan Lab, Western University
No classification provided (evidence only). Condition: Gastric cancer. Review status: no classification provided. Collection method: in vitro. Allele origin: not applicable. Functional consequence: retained intron. Not counted in ClinVar's aggregate classification.

NM_004525.3(LRP2):c.11759-11T>G

Gene: LRP2 (LDL receptor related protein 2; minus strand). Cytogenetic location: 2q31.1.
Variant type: single nucleotide variant.
Coding change: c.11759-11T>G on transcript NM_004525.3 (MANE Select); 11 bases into the intron before coding-DNA position 11759, T replaced by G.
Molecular consequence: intron variant.
Genome position (GRCh38, 1-based): chr2:169,162,611, A>C on the plus strand (T>G on the coding strand, the complement: LRP2 is on the minus strand). VCF-style: chr2-169162611-A-C. GRCh37 (hg19) VCF-style: chr2-170019121-A-C.
Identifiers: ClinVar variation 332088 (VCV000332088.19), dbSNP rs17848191, ClinGen allele CA1952967.